The following is an entry in ClinVar:

ClinVar aggregate classification (germline): Likely pathogenic (1 of 4 stars; one submission).

Conditions:
Schaaf-Yang syndrome (SHFYNG). Also called: MAGEL2-related Prader-Willi-like syndrome; Arthrogryposis, distal, with hypopituitarism, intellectual disability, and facial anomalies. Identifiers: Orphanet 398069, MedGen C5575066, MONDO:0014243, OMIM 615547.

Submission:

Clinical Genomics Laboratory, Washington University in St. Louis
Classification: Likely pathogenic for Schaaf-Yang syndrome. Last evaluated: 2023-08-22. Review status: criteria provided, single submitter. Criteria: ACMG Guidelines, 2015. Collection method: clinical testing. Allele origin: germline. Affected: yes.
Comment: The MAGEL2 c.2840delinsTTT (p.Glu947ValfsTer10) variant, to our knowledge, has not been reported in the medical literature and is absent from the general population (gnomAD v.2.1.1), indicating it is not a common variant. This variant causes a frameshift by deleting one nucleotide and inserting 3 nucleotides, leading to a premature termination codon; however, because this gene is only one exon, this is not predicted to lead to nonsense mediated decay. Several other variants that introduce premature termination codons downstream of this variant have been described in the literature in affected individuals and are considered pathogenic (Ahn H et al., PMID: 33371171; Fountain MD et al., PMID: 27195816; Schaaf CP et al., PMID: 24076603). Based on available information and the ACMG/AMP guidelines for variant interpretation (Richards S et al., PMID: 25741868), this variant is classified as likely pathogenic.

NM_019066.5(MAGEL2):c.2840delinsTTT (p.Glu947fs)

Gene: MAGEL2 (MAGE family member L2; minus strand). Cytogenetic location: 15q11.2.
Variant type: Indel.
Coding change: c.2840delinsTTT on transcript NM_019066.5 (MANE Select); coding-DNA position 2840, A replaced by TTT.
Protein change: p.Glu947fs; shifts the reading frame from glutamic acid 947.
Molecular consequence: frameshift variant.
Genome position (GRCh38, 1-based): chr15:23,644,903, T replaced by AAA on the plus strand (A replaced by TTT on the coding strand, the reverse complement: MAGEL2 is on the minus strand). VCF-style: chr15-23644903-T-AAA. GRCh37 (hg19) VCF-style: chr15-23890050-T-AAA.
Other names: short protein forms E947fs.
Identifiers: ClinVar variation 2672223 (VCV002672223.1), dbSNP rs2503975945, ClinGen allele CA2695197232.
Genomic context (GRCh38, chr15:23,644,903, plus strand): 5'-AGGGCCCAGGATGCGCTGGGCCCTTCCCAGCCACTCAGGATCCTGGAGGTGCTAGGGCCC[T>AAA]CCCAACCACTCAGGCCACGGGGGGTGTTTGGGTGCTCCCAGTCACCCGAGACCTGGATAG-3'